The following is an entry in ClinVar:

ClinVar aggregate classification (germline): Pathogenic (1 of 4 stars; one submission).

Conditions:
Immunodeficiency 35 (IMD35). Also called: Susceptibility to infection due to TYK2 deficiency; TYK2 DEFICIENCY; HIES WITH ATYPICAL MYCOBACTERIOSIS, AUTOSOMAL RECESSIVE; HYPER-IgE SYNDROME WITH ATYPICAL MYCOBACTERIOSIS, AUTOSOMAL RECESSIVE. Identifiers: Orphanet 331226, MedGen C1969086, MONDO:0012682, OMIM 611521.

Submission:

Labcorp Genetics (formerly Invitae), Labcorp
Classification: Pathogenic for Immunodeficiency 35. Last evaluated: 2022-08-08. Review status: criteria provided, single submitter. Criteria: Invitae Variant Classification Sherloc (09022015). Collection method: clinical testing. Allele origin: germline.
Comment: For these reasons, this variant has been classified as Pathogenic. This variant has not been reported in the literature in individuals affected with TYK2-related conditions. This variant is not present in population databases (gnomAD no frequency). This sequence change creates a premature translational stop signal (p.Thr384Hisfs*108) in the TYK2 gene. It is expected to result in an absent or disrupted protein product. Loss-of-function variants in TYK2 are known to be pathogenic (PMID: 22402565, 26304966).

Literature cited by the submitters: PubMed 22402565; PubMed 26304966.

NM_003331.5(TYK2):c.1148dup (p.Thr384fs)

Gene: TYK2 (tyrosine kinase 2; minus strand). Cytogenetic location: 19p13.2.
Variant type: Duplication.
Coding change: c.1148dup on transcript NM_003331.5 (MANE Select); coding-DNA position 1148, one base duplicated (T; older notation c.1148dupT).
Protein change: p.Thr384fs; shifts the reading frame from threonine 384.
Molecular consequence: frameshift variant. On other transcripts: intron variant (1).
Genome position (GRCh38, 1-based): chr19:10,364,912, A duplicated on the plus strand (T on the coding strand, the reverse complement: TYK2 is on the minus strand). VCF-style (leftmost placement, unchanged base first): chr19-10364911-G-GA. GRCh37 (hg19) VCF-style: chr19-10475587-G-GA.
Other names: c.1148dup, p.Thr384fs (NM_001385197.1, NM_001385198.1, NM_001385199.1 and 6 more transcripts); c.1058dup, p.Thr354fs (NM_001385205.1); c.1148dup, p.Thr384Hisfs (NM_001406461.1); c.1012-141dup (NM_001385201.1); short protein forms T384fs, T354fs.
Identifiers: ClinVar variation 2022602 (VCV002022602.4), dbSNP rs2512551491, ClinGen allele CA2580096194.
Genomic context (GRCh38, chr19:10,364,911, plus strand): 5'-CAGGCACTTGTTGTCCTGCCGGTGGATGCTGACACAGTGCTCTTTCAGCACCACGTGGGT[G>GA]ATGTCCCGGAAGTCACAGAAGTAGGCCCACAGTGGCTCCCGCGGCCTGTCTGCCGGCTGG-3'